The following is an entry in ClinVar:

NM_002474.3(MYH11):c.3827C>G (p.Ala1276Gly)

Gene: MYH11 (myosin heavy chain 11; minus strand). Cytogenetic location: 16p13.11.
Variant type: single nucleotide variant.
Coding change: c.3827C>G on transcript NM_002474.3 (MANE Select); coding-DNA position 3827, C replaced by G.
Protein change: p.Ala1276Gly; replaces alanine 1276 with glycine.
Molecular consequence: missense variant.
Genome position (GRCh38, 1-based): chr16:15,726,879, G>C on the plus strand (C>G on the coding strand, the complement: MYH11 is on the minus strand). VCF-style: chr16-15726879-G-C. GRCh37 (hg19) VCF-style: chr16-15820736-G-C.
Other names: c.3848C>G, p.Ala1283Gly (NM_001040113.2, NM_001040114.2); c.3827C>G, p.Ala1276Gly (NM_022844.3); short protein forms A1283G, A1276G.
Identifiers: ClinVar variation 566218 (VCV000566218.1), dbSNP rs547038802, ClinGen allele CA394859988.

ClinVar aggregate classification (germline): Uncertain significance (1 of 4 stars; one submission).

Conditions:
Aortic aneurysm, familial thoracic 4 (AAT4). Also called: AORTIC ANEURYSM/AORTIC DISSECTION AND PATENT DUCTUS ARTERIOSUS. Identifiers: MedGen C1851504, MONDO:0007568, OMIM 132900.

Submission:

Labcorp Genetics (formerly Invitae), Labcorp
Classification: Uncertain significance for Aortic aneurysm, familial thoracic 4. Last evaluated: 2018-06-01. Review status: criteria provided, single submitter. Criteria: Invitae Variant Classification Sherloc (09022015). Collection method: clinical testing. Allele origin: germline.
Comment: This sequence change replaces alanine with glycine at codon 1283 of the MYH11 protein (p.Ala1283Gly). The alanine residue is moderately conserved and there is a small physicochemical difference between alanine and glycine. This variant is not present in population databases (ExAC no frequency). This variant has not been reported in the literature in individuals with MYH11-related disease. Algorithms developed to predict the effect of missense changes on protein structure and function (SIFT, PolyPhen-2, Align-GVGD) all suggest that this variant is likely to be tolerated, but these predictions have not been confirmed by published functional studies and their clinical significance is uncertain. In summary, the available evidence is currently insufficient to determine the role of this variant in disease. Therefore, it has been classified as a Variant of Uncertain Significance.